The following is an entry in ClinVar:

ClinVar aggregate classification (germline): Uncertain significance (1 of 4 stars; one submission).

Conditions:
Welander distal myopathy (WDM). Also called: Welander distal myopathy, Swedish type; Distal myopathy, Swedish type; Gower's muscular dystrophy; MUSCULAR DYSTROPHY, DISTAL, LATE-ONSET, AUTOSOMAL DOMINANT. Identifiers: Orphanet 603, MedGen C0221054, MONDO:0011466, OMIM 604454.

Submission:

Labcorp Genetics (formerly Invitae), Labcorp
Classification: Uncertain significance for Welander distal myopathy. Last evaluated: 2025-01-20. Review status: criteria provided, single submitter. Criteria: Invitae Variant Classification Sherloc (09022015). Collection method: clinical testing. Allele origin: germline.
Comment: This sequence change replaces isoleucine, which is neutral and non-polar, with threonine, which is neutral and polar, at codon 122 of the TIA1 protein (p.Ile122Thr). This variant is present in population databases (no rsID available, gnomAD 0.01%). This variant has not been reported in the literature in individuals affected with TIA1-related conditions. Invitae Evidence Modeling of protein sequence and biophysical properties (such as structural, functional, and spatial information, amino acid conservation, physicochemical variation, residue mobility, and thermodynamic stability) indicates that this missense variant is not expected to disrupt TIA1 protein function with a negative predictive value of 80%. In summary, the available evidence is currently insufficient to determine the role of this variant in disease. Therefore, it has been classified as a Variant of Uncertain Significance.

NM_022173.4(TIA1):c.365T>C (p.Ile122Thr)

Gene: TIA1 (TIA1 cytotoxic granule associated RNA binding protein; minus strand). Cytogenetic location: 2p13.3.
Variant type: single nucleotide variant.
Coding change: c.365T>C on transcript NM_022173.4 (MANE Select); coding-DNA position 365, T replaced by C.
Protein change: p.Ile122Thr; replaces isoleucine 122 with threonine.
Molecular consequence: missense variant. On other transcripts: non-coding transcript variant (17), 5 prime UTR variant (3), stop lost (1).
Genome position (GRCh38, 1-based): chr2:70,227,768, A>G on the plus strand (T>C on the coding strand, the complement: TIA1 is on the minus strand). VCF-style: chr2-70227768-A-G. GRCh37 (hg19) VCF-style: chr2-70454900-A-G.
Other names: c.365T>C, p.Ile122Thr (NM_001351508.2, NM_001351516.2, NM_001351518.2 and 2 more transcripts); c.338T>C, p.Ile113Thr (NM_001351509.2); c.332T>C, p.Ile111Thr (NM_001351510.2, NM_001351521.2, NM_022037.4); c.254T>C, p.Ile85Thr (NM_001351511.1); c.227T>C, p.Ile76Thr (NM_001351512.1); c.221T>C, p.Ile74Thr (NM_001351513.1); c.137T>C, p.Ile46Thr (NM_001351514.2, NM_001351523.2); c.62T>C, p.Ile21Thr (NM_001351515.2); and 4 more; short protein forms I111T, I113T, I122T, I21T, I46T, I74T, I76T, I85T.
Identifiers: ClinVar variation 3625878 (VCV003625878.2).